The following is an entry in ClinVar:

ClinVar aggregate classification (germline): Uncertain significance (1 of 4 stars; one submission).

Conditions:
Neurodevelopmental disorder with microcephaly, impaired language, and gait abnormalities. Identifiers: MedGen C5436783, MONDO:0100348, OMIM 619091.

Allele frequency attached by ClinVar (database versions not stated): gnomAD exomes 0.00001 and 0.00002; TOPMed 0.00001; ExAC 0.00005.
gnomAD v4.1: 22 of 1,613,954 alleles (0.0014%); highest among the groups gnomAD compares: Non-Finnish European, 0.0016%; no homozygotes.

Submission:

SIB Swiss Institute of Bioinformatics
Classification: Uncertain significance for Neurodevelopmental disorder with microcephaly, impaired language, and gait abnormalities. Last evaluated: 2021-05-10. Review status: criteria provided, single submitter. Criteria: ACMG Guidelines, 2015. Collection method: curation. Allele origin: unknown.
Comment: This variant is interpreted as a variant of uncertain significance for Neurodevelopmental disorder with microcephaly, impaired language, and gait abnormalities, autosomal recessive. The following ACMG Tag(s) were applied: Absent from controls (or at extremely low frequency if recessive) in Exome Sequencing Project, 1000 Genomes Project, or Exome Aggregation Consortium (PM2); Cosegregation with disease in multiple affected family members in a gene definitively known to cause the disease (PP1).

Literature cited by the submitters: PubMed 32738225.

NM_004539.4(NARS1):c.1264G>A (p.Ala422Thr)

Gene: NARS1 (asparaginyl-tRNA synthetase 1; minus strand). Cytogenetic location: 18q21.31.
Variant type: single nucleotide variant.
Coding change: c.1264G>A on transcript NM_004539.4 (MANE Select); coding-DNA position 1264, G replaced by A.
Protein change: p.Ala422Thr; replaces alanine 422 with threonine.
Molecular consequence: missense variant.
Genome position (GRCh38, 1-based): chr18:57,602,931, C>T on the plus strand (G>A on the coding strand, the complement: NARS1 is on the minus strand). VCF-style: chr18-57602931-C-T. GRCh37 (hg19) VCF-style: chr18-55270163-C-T.
Other names: short protein forms A422T.
Identifiers: ClinVar variation 1077116 (VCV001077116.1), dbSNP rs769070609, ClinGen allele CA8973452.